The following is an entry in ClinVar:

ClinVar aggregate classification (germline): Uncertain significance (1 of 4 stars; one submission).

Conditions:
Curry-Hall syndrome (WAD). Also called: WEYERS ACRODENTAL DYSOSTOSIS. Identifiers: Orphanet 952, MedGen C0457013, MONDO:0008673, OMIM 193530.
Ellis-van Creveld syndrome (EVC). Also called: EVC-Related Ellis-van Creveld Syndrome; EVC2-Related Ellis-van Creveld Syndrome; MESOECTODERMAL DYSPLASIA; Chondroectodermal dysplasia. Identifiers: Orphanet 289, MedGen C0013903, MONDO:0009162, OMIM 225500.

Allele frequency attached by ClinVar (database versions not stated): gnomAD exomes below 0.00001; TOPMed below 0.00001; ExAC 0.00001; gnomAD 0.00001.
gnomAD v4.1: 2 of 1,614,014 alleles (0.00012%); highest among the groups gnomAD compares: Admixed American, 0.0017%; no homozygotes.

Submission:

Labcorp Genetics (formerly Invitae), Labcorp
Classification: Uncertain significance for Curry-Hall syndrome; Ellis-van Creveld syndrome. Last evaluated: 2023-12-27. Review status: criteria provided, single submitter. Criteria: Invitae Variant Classification Sherloc (09022015). Collection method: clinical testing. Allele origin: germline.
Comment: This sequence change replaces alanine, which is neutral and non-polar, with threonine, which is neutral and polar, at codon 559 of the EVC2 protein (p.Ala559Thr). This variant is present in population databases (rs767478570, gnomAD 0.003%). This variant has not been reported in the literature in individuals affected with EVC2-related conditions. An algorithm developed to predict the effect of missense changes on protein structure and function (PolyPhen-2) suggests that this variant is likely to be disruptive. In summary, the available evidence is currently insufficient to determine the role of this variant in disease. Therefore, it has been classified as a Variant of Uncertain Significance.

NM_147127.5(EVC2):c.1675G>A (p.Ala559Thr)

Gene: EVC2 (EvC ciliary complex subunit 2; minus strand). Cytogenetic location: 4p16.2.
Variant type: single nucleotide variant.
Coding change: c.1675G>A on transcript NM_147127.5 (MANE Select); coding-DNA position 1675, G replaced by A.
Protein change: p.Ala559Thr; replaces alanine 559 with threonine.
Molecular consequence: missense variant.
Genome position (GRCh38, 1-based): chr4:5,631,828, C>T on the plus strand (G>A on the coding strand, the complement: EVC2 is on the minus strand). VCF-style: chr4-5631828-C-T. GRCh37 (hg19) VCF-style: chr4-5633555-C-T.
Other names: c.1435G>A, p.Ala479Thr (NM_001166136.2); short protein forms A479T, A559T.
Identifiers: ClinVar variation 2935288 (VCV002935288.3), dbSNP rs767478570, ClinGen allele CA2834985.